The following is an entry in ClinVar:

ClinVar aggregate classification (germline): Uncertain significance. Review status: criteria provided, multiple submitters, no conflicts (2 of 4 stars). 2 submissions from 2 submitters: Uncertain significance (2). Last evaluated 2024-12-20.

Conditions:
Inborn genetic diseases. Identifiers: MedGen C0950123, MeSH D030342.

Submissions (2):

Ambry Genetics
Classification: Uncertain significance for Inborn genetic diseases. Last evaluated: 2024-12-20. Review status: criteria provided, single submitter. Criteria: Ambry Variant Classification Scheme 2023. Collection method: clinical testing. Allele origin: germline.
Comment: The p.M1323I variant (also known as c.3969G>A), located in coding exon 13 of the ASXL1 gene, results from a G to A substitution at nucleotide position 3969. The methionine at codon 1323 is replaced by isoleucine, an amino acid with highly similar properties. This amino acid position is conserved. In addition, this alteration is predicted to be tolerated by in silico analysis. Based on the available evidence, the clinical significance of this variant remains unclear.

GeneDx
Classification: Uncertain significance. Last evaluated: 2023-11-08. Review status: criteria provided, single submitter. Criteria: GeneDx Variant Classification Process June 2021. Collection method: clinical testing. Allele origin: germline. Affected: yes.
Comment: Has not been previously published as pathogenic or benign to our knowledge; Not observed at significant frequency in large population cohorts (gnomAD); In silico analysis supports that this missense variant does not alter protein structure/function

NM_015338.6(ASXL1):c.3969G>A (p.Met1323Ile)

Gene: ASXL1 (ASXL transcriptional regulator 1; plus strand). Cytogenetic location: 20q11.21.
Variant type: single nucleotide variant.
Coding change: c.3969G>A on transcript NM_015338.6 (MANE Select); coding-DNA position 3969, G replaced by A.
Protein change: p.Met1323Ile; replaces methionine 1323 with isoleucine.
Molecular consequence: missense variant.
Genome position (GRCh38, 1-based): chr20:32,436,681, G>A. VCF-style: chr20-32436681-G-A. GRCh37 (hg19) VCF-style: chr20-31024484-G-A.
Other names: c.3786G>A, p.Met1262Ile (NM_001363734.1); short protein forms M1262I, M1323I.
Identifiers: ClinVar variation 3363934 (VCV003363934.2).